The following is an entry in ClinVar:

NM_001481.3(DRC4):c.757-1G>C

Gene: DRC4 (dynein regulatory complex subunit 4; plus strand). Cytogenetic location: 16q24.3.
Variant type: single nucleotide variant.
Coding change: c.757-1G>C on transcript NM_001481.3 (MANE Select); the canonical splice acceptor site of the intron before coding-DNA position 757, G replaced by C.
Molecular consequence: splice acceptor variant.
Genome position (GRCh38, 1-based): chr16:90,037,231, G>C. VCF-style: chr16-90037231-G-C. GRCh37 (hg19) VCF-style: chr16-90103639-G-C.
Other names: c.682-1G>C (NM_001286209.2); c.508-1G>C (NM_001286205.2); c.181-1G>C (NM_001286208.2).
Identifiers: ClinVar variation 3001041 (VCV003001041.3), dbSNP rs781317147, ClinGen allele CA8257974.

ClinVar aggregate classification (germline): Likely pathogenic (1 of 4 stars; one submission).

Conditions:
Primary ciliary dyskinesia 33. Also called: CILIARY DYSKINESIA, PRIMARY, 33, WITHOUT SITUS INVERSUS. Identifiers: Orphanet 244, MedGen C4225230, MONDO:0014750, OMIM 616726.

Allele frequency attached by ClinVar (database versions not stated): TOPMed below 0.00001; ExAC 0.00001; gnomAD 0.00001.
gnomAD v4.1: 2 of 1,607,432 alleles (0.00012%); highest among the groups gnomAD compares: East Asian, 0.0045%; no homozygotes.

Submission:

Labcorp Genetics (formerly Invitae), Labcorp
Classification: Likely pathogenic for Primary ciliary dyskinesia 33. Last evaluated: 2023-12-01. Review status: criteria provided, single submitter. Criteria: Invitae Variant Classification Sherloc (09022015). Collection method: clinical testing. Allele origin: germline.
Comment: This sequence change affects an acceptor splice site in intron 6 of the GAS8 gene. It is expected to disrupt RNA splicing. Variants that disrupt the donor or acceptor splice site typically lead to a loss of protein function (PMID: 16199547), and loss-of-function variants in GAS8 are known to be pathogenic (PMID: 26387594). This variant is present in population databases (rs781317147, gnomAD 0.01%). This variant has not been reported in the literature in individuals affected with GAS8-related conditions. Algorithms developed to predict the effect of sequence changes on RNA splicing suggest that this variant may disrupt the consensus splice site. In summary, the currently available evidence indicates that the variant is pathogenic, but additional data are needed to prove that conclusively. Therefore, this variant has been classified as Likely Pathogenic.

Literature cited by the submitters: PubMed 16199547; PubMed 26387594.